The following is an entry in ClinVar:

ClinVar aggregate classification (germline): Uncertain significance (1 of 4 stars; one submission).

gnomAD v4.1: 2 of 1,613,862 alleles (0.00012%); highest among the groups gnomAD compares: African/African-American, 0.0027%; no homozygotes.

Submission:

Labcorp Genetics (formerly Invitae), Labcorp
Classification: Uncertain significance. Last evaluated: 2024-07-30. Review status: criteria provided, single submitter. Criteria: Invitae Variant Classification Sherloc (09022015). Collection method: clinical testing. Allele origin: germline.
Comment: This sequence change replaces alanine, which is neutral and non-polar, with threonine, which is neutral and polar, at codon 71 of the DNAJC17 protein (p.Ala71Thr). This variant is not present in population databases (gnomAD no frequency). This variant has not been reported in the literature in individuals affected with DNAJC17-related conditions. An algorithm developed to predict the effect of missense changes on protein structure and function (PolyPhen-2) suggests that this variant is likely to be tolerated. In summary, the available evidence is currently insufficient to determine the role of this variant in disease. Therefore, it has been classified as a Variant of Uncertain Significance.

NM_018163.3(DNAJC17):c.211G>A (p.Ala71Thr)

Gene: DNAJC17 (DnaJ heat shock protein family (Hsp40) member C17; minus strand). Cytogenetic location: 15q15.1.
Variant type: single nucleotide variant.
Coding change: c.211G>A on transcript NM_018163.3 (MANE Select); coding-DNA position 211, G replaced by A.
Protein change: p.Ala71Thr; replaces alanine 71 with threonine.
Molecular consequence: missense variant.
Genome position (GRCh38, 1-based): chr15:40,779,307, C>T on the plus strand (G>A on the coding strand, the complement: DNAJC17 is on the minus strand). VCF-style: chr15-40779307-C-T. GRCh37 (hg19) VCF-style: chr15-41071505-C-T.
Other names: short protein forms A71T.
Identifiers: ClinVar variation 3612915 (VCV003612915.2).